The following is an entry in ClinVar:

NM_006371.5(CRTAP):c.404del (p.Ser135fs)

Gene: CRTAP (cartilage associated protein; plus strand). Cytogenetic location: 3p22.3.
Variant type: Deletion.
Coding change: c.404del on transcript NM_006371.5 (MANE Select); coding-DNA position 404, one base deleted (G; older notation c.404delG).
Protein change: p.Ser135fs; shifts the reading frame from serine 135.
Molecular consequence: frameshift variant.
Genome position (GRCh38, 1-based): chr3:33,114,481, G deleted. VCF-style (leftmost placement, unchanged base first): chr3-33114480-AG-A. GRCh37 (hg19) VCF-style: chr3-33155972-AG-A.
Other names: c.404del, p.Ser135fs (NM_001393363.1, NM_001393364.1, NM_001393365.1); c.404delG (NM_006371.4); short protein forms S135fs.
Identifiers: ClinVar variation 1687175 (VCV001687175.2), dbSNP rs137853941, ClinGen allele CA72699709.

ClinVar aggregate classification (germline): Pathogenic. Review status: criteria provided, multiple submitters, no conflicts (2 of 4 stars). 2 submissions from 2 submitters: Pathogenic (2). Last evaluated 2022-05-22.

Conditions:
Osteogenesis imperfecta type 7 (OI7). Also called: OI type 7; OI type VII; OSTEOGENESIS IMPERFECTA, TYPE IIB; Osteogenesis imperfecta type 2B; OI type 2B; Osteogenesis imperfecta, perinatal lethal autosomal recessive. Identifiers: MedGen C1853162, MONDO:0012536, OMIM 610682.

Submissions (2):

3billion
Classification: Pathogenic for Osteogenesis imperfecta type 7. Last evaluated: 2022-05-22. Review status: criteria provided, single submitter. Criteria: ACMG Guidelines, 2015. Collection method: clinical testing. Allele origin: germline. Affected: yes. Observed: 1 homozygote.
Comment: The variant is not observed in the gnomAD v2.1.1 dataset. Frameshift: predicted to result in a loss or disruption of normal protein function through nonsense-mediated decay (NMD) or protein truncation. Multiple pathogenic variants are reported downstream of the variant. The variant has been reported to be associated with CRTAP related disorder (PMID: 19550437). Therefore, this variant is classified as pathogenic according to the recommendation of ACMG/AMP guideline.

Department of Human Genetics, Medical Research Institute, Alexandria University
Classification: Pathogenic for Osteogenesis imperfecta type 7. Review status: criteria provided, single submitter. Criteria: ACMG Guidelines, 2015. Collection method: research. Allele origin: biparental. Inheritance: Autosomal recessive inheritance. Affected: yes.

Literature cited by the submitters: PubMed 19550437 (cited by 3billion).